The following is an entry in ClinVar:

ClinVar aggregate classification (germline): Uncertain significance. Review status: criteria provided, single submitter (1 of 4 stars). 2 submissions from 2 submitters: Uncertain significance (1). 1 of the submissions does not count toward it. Last evaluated 2025-03-23.

Conditions:
Pitt-Hopkins-like syndrome 2 (PTHSL2). Identifiers: Orphanet 221150, Orphanet 600663, MedGen C3280479, MONDO:0013690, OMIM 614325.
Intellectual disability. Also called: Intellectual developmental disorder; Intellectual functioning disability; intellectual disabilities. Identifiers: MedGen C3714756, MeSH D008607, MONDO:0001071, HP:0001249.

Allele frequency attached by ClinVar (database versions not stated): gnomAD exomes below 0.00001.
gnomAD v4.1: 2 of 1,613,870 alleles (0.00012%); highest among the groups gnomAD compares: Non-Finnish European, 0.00017%; no homozygotes.

Submissions (2):

Labcorp Genetics (formerly Invitae), Labcorp
Classification: Uncertain significance for Pitt-Hopkins-like syndrome 2. Last evaluated: 2025-03-23. Review status: criteria provided, single submitter. Criteria: Invitae Variant Classification Sherloc (09022015). Collection method: clinical testing. Allele origin: germline.
Comment: This sequence change replaces threonine, which is neutral and polar, with alanine, which is neutral and non-polar, at codon 951 of the NRXN1 protein (p.Thr951Ala). This variant is not present in population databases (gnomAD no frequency). This variant has not been reported in the literature in individuals affected with NRXN1-related conditions. ClinVar contains an entry for this variant (Variation ID: 863441). An algorithm developed to predict the effect of missense changes on protein structure and function (PolyPhen-2) suggests that this variant is likely to be tolerated. In summary, the available evidence is currently insufficient to determine the role of this variant in disease. Therefore, it has been classified as a Variant of Uncertain Significance.

Centre de Biologie Pathologie Génétique, Centre Hospitalier Universitaire de Lille
Classification: Likely benign for Intellectual disability. Last evaluated: 2019-01-01. Review status: no assertion criteria provided. Collection method: clinical testing. Allele origin: inherited. Affected: yes. Not counted in ClinVar's aggregate classification.

NM_001330078.2(NRXN1):c.2731A>G (p.Thr911Ala)

Gene: NRXN1 (neurexin 1; minus strand). Cytogenetic location: 2p16.3.
Variant type: single nucleotide variant.
Coding change: c.2731A>G on transcript NM_001330078.2 (MANE Select); coding-DNA position 2731, A replaced by G.
Protein change: p.Thr911Ala; replaces threonine 911 with alanine.
Molecular consequence: missense variant.
Genome position (GRCh38, 1-based): chr2:50,497,481, T>C on the plus strand (A>G on the coding strand, the complement: NRXN1 is on the minus strand). VCF-style: chr2-50497481-T-C. GRCh37 (hg19) VCF-style: chr2-50724619-T-C.
Other names: c.2851A>G, p.Thr951Ala (NM_001135659.3); c.2707A>G, p.Thr903Ala (NM_001330077.2, NM_001330082.2); c.2665A>G, p.Thr889Ala (NM_001330083.2, NM_001330084.2); c.2704A>G, p.Thr902Ala (NM_001330085.2); c.2731A>G, p.Thr911Ala (NM_001330086.2, NM_004801.6); c.2620A>G, p.Thr874Ala (NM_001330087.2, NM_001330096.2); c.2650A>G, p.Thr884Ala (NM_001330088.2); c.2728A>G, p.Thr910Ala (NM_001330093.2); and 2 more; short protein forms T894A, T902A, T911A, T951A, T889A, T907A, T874A, T884A.
Identifiers: ClinVar variation 863441 (VCV000863441.11), dbSNP rs2091701971, ClinGen allele CA346776996.